The following is an entry in ClinVar:

ClinVar aggregate classification (germline): Uncertain significance (1 of 4 stars; one submission).

Conditions:
Microcephaly-intellectual disability-sensorineural hearing loss-epilepsy-abnormal muscle tone syndrome (NEDHSB). Also called: NEURODEVELOPMENTAL DISORDER WITH HEARING LOSS, SEIZURES, AND BRAIN ABNORMALITIES. Identifiers: Orphanet 457351, MedGen C4225276, MONDO:0014698, OMIM 616577.

Submission:

Labcorp Genetics (formerly Invitae), Labcorp
Classification: Uncertain significance for Microcephaly-intellectual disability-sensorineural hearing loss-epilepsy-abnormal muscle tone syndrome. Last evaluated: 2019-08-14. Review status: criteria provided, single submitter. Criteria: Invitae Variant Classification Sherloc (09022015). Collection method: clinical testing. Allele origin: germline.
Comment: In summary, the available evidence is currently insufficient to determine the role of this variant in disease. Therefore, it has been classified as a Variant of Uncertain Significance. Algorithms developed to predict the effect of missense changes on protein structure and function are either unavailable or do not agree on the potential impact of this missense change (SIFT: "Deleterious"; PolyPhen-2: "Benign"; Align-GVGD: "Class C55"). This variant has not been reported in the literature in individuals with SPATA5-related conditions. This variant is not present in population databases (ExAC no frequency). This sequence change replaces valine with alanine at codon 621 of the SPATA5 protein (p.Val621Ala). The valine residue is highly conserved and there is a small physicochemical difference between valine and alanine.

NM_145207.3(AFG2A):c.1862T>C (p.Val621Ala)

Gene: AFG2A (AAA ATPase AFG2A; plus strand). Cytogenetic location: 4q28.1.
Variant type: single nucleotide variant.
Coding change: c.1862T>C on transcript NM_145207.3 (MANE Select); coding-DNA position 1862, T replaced by C.
Protein change: p.Val621Ala; replaces valine 621 with alanine.
Molecular consequence: missense variant.
Genome position (GRCh38, 1-based): chr4:122,979,379, T>C. VCF-style: chr4-122979379-T-C. GRCh37 (hg19) VCF-style: chr4-123900534-T-C.
Other names: c.1859T>C, p.Val620Ala (NM_001317799.2, NM_001345856.2); short protein forms V621A, V620A.
Identifiers: ClinVar variation 852795 (VCV000852795.6), dbSNP rs1725532508, ClinGen allele CA358093786.
Genomic context (GRCh38, chr4:122,979,379, plus strand): 5'-ATTTCTTGCAGGCAATGAATGATATCAGACCCAGTGCCATGAGGGAAATAGCAATTGATG[T>C]CCCAAATGTAAGTCATTTATGTCCCACACTAGCTACACTGTTTGAATTAAACTCTGAAAA-3'
Protein context (NP_660208.2, residues 611-631): PSAMREIAID[Val621Ala]PNVSWSDIGG